The following is an entry in ClinVar:

NM_000620.5(NOS1):c.1783G>A (p.Gly595Ser)

Gene: NOS1 (nitric oxide synthase 1; minus strand). Cytogenetic location: 12q24.22.
Variant type: single nucleotide variant.
Coding change: c.1783G>A on transcript NM_000620.5 (MANE Select); coding-DNA position 1783, G replaced by A.
Protein change: p.Gly595Ser; replaces glycine 595 with serine.
Molecular consequence: missense variant.
Genome position (GRCh38, 1-based): chr12:117,272,441, C>T on the plus strand (G>A on the coding strand, the complement: NOS1 is on the minus strand). VCF-style: chr12-117272441-C-T. GRCh37 (hg19) VCF-style: chr12-117710246-C-T.
Other names: c.1783G>A (NM_001204218.1); c.775G>A, p.Gly259Ser (NM_001204213.2, NM_001204214.2); c.1783G>A, p.Gly595Ser (NM_001204218.2); short protein forms G259S, G595S.
Identifiers: ClinVar variation 789526 (VCV000789526.30), dbSNP rs41356652, ClinGen allele CA6815053.
Genomic context (GRCh38, chr12:117,272,441, plus strand): 5'-TTACCTCCAGGATATTGTAGCGGGAGTTGTCACAGTAGTCGCGGACACCAATCTCTGTGC[C>T]CATGTACCAGCCACTGAAGGGACAGGCGCTGAACTCCAGGCCGCCAATCTCTAGGAGCAT-3'
Protein context (NP_000611.1, residues 585-605): SACPFSGWYM[Gly595Ser]TEIGVRDYCD

ClinVar aggregate classification (germline): Benign/Likely benign. Review status: criteria provided, multiple submitters, no conflicts (2 of 4 stars). 4 submissions from 4 submitters: Benign (2); Likely benign (1). 1 of the submissions does not count toward it. Last evaluated 2023-02-01.

Conditions:
NOS1-related disorder. Also called: NOS1-related condition.

Allele frequency attached by ClinVar (database versions not stated): 1000 Genomes Project 30x 0.00125; 1000 Genomes Project 0.00140; gnomAD 0.00362 and 0.00365; TOPMed 0.00373; ExAC 0.00392; gnomAD exomes 0.00402 and 0.00524; ESP Exome Variant Server 0.00439.
gnomAD v4.1: 8,205 of 1,614,146 alleles (0.51%); highest among the groups gnomAD compares: Middle Eastern, 0.96%; 27 homozygotes.

Submissions (4):

CeGaT Center for Human Genetics Tuebingen
Classification: Likely benign. Last evaluated: 2023-02-01. Review status: criteria provided, single submitter. Criteria: CeGaT Center For Human Genetics Tuebingen Variant Classification Criteria Version 2. Collection method: clinical testing. Allele origin: germline. Affected: yes. Observed: 1 variant allele.
Comment: NOS1: PP2, BS2

Labcorp Genetics (formerly Invitae), Labcorp
Classification: Benign. Last evaluated: 2019-12-31. Review status: criteria provided, single submitter. Criteria: Invitae Variant Classification Sherloc (09022015). Collection method: clinical testing. Allele origin: germline.

Breakthrough Genomics
Classification: Benign. Review status: criteria provided, single submitter. Criteria: ACMG Guidelines, 2015. Collection method: not provided. Allele origin: germline. Inheritance: Unknown mechanism. Affected: yes.

PreventionGenetics, part of Exact Sciences
Classification: Benign for NOS1-related condition. Last evaluated: 2019-05-24. Review status: no assertion criteria provided. Collection method: clinical testing. Allele origin: germline. Not counted in ClinVar's aggregate classification.
Comment: This variant is classified as benign based on ACMG/AMP sequence variant interpretation guidelines (Richards et al. 2015 PMID: 25741868, with internal and published modifications).